The following is an entry in ClinVar:

NM_017999.5(RNF31):c.3032A>G (p.Asn1011Ser)

Gene: RNF31 (ring finger protein 31; plus strand). Cytogenetic location: 14q12.
Variant type: single nucleotide variant.
Coding change: c.3032A>G on transcript NM_017999.5 (MANE Select); coding-DNA position 3032, A replaced by G.
Protein change: p.Asn1011Ser; replaces asparagine 1011 with serine.
Molecular consequence: missense variant.
Genome position (GRCh38, 1-based): chr14:24,160,274, A>G. VCF-style: chr14-24160274-A-G. GRCh37 (hg19) VCF-style: chr14-24629483-A-G.
Other names: c.2579A>G, p.Asn860Ser (NM_001310332.2); short protein forms N1011S, N860S.
Identifiers: ClinVar variation 2788950 (VCV002788950.3), dbSNP rs2038425914, ClinGen allele CA389195423.
Genomic context (GRCh38, chr14:24,160,274, plus strand): 5'-ATATTCTGCTCCCTTTTCTCCCCAGGGCACACTACAAAGAGTATCTTGTGAGCCTCATCA[A>G]TGCCCACTCGCTGGACCCAGCCACCTTGTATGAGGTGGAAGAGCTGGAGACGGCCACTGA-3'
Protein context (NP_060469.4, residues 1001-1021): HYKEYLVSLI[Asn1011Ser]AHSLDPATLY

ClinVar aggregate classification (germline): Uncertain significance (1 of 4 stars; one submission).

Allele frequency attached by ClinVar (database versions not stated): TOPMed below 0.00001; gnomAD exomes 0.00001.
gnomAD v4.1: 11 of 1,614,100 alleles (0.00068%); highest among the groups gnomAD compares: Non-Finnish European, 0.00093%; no homozygotes.

Submission:

Labcorp Genetics (formerly Invitae), Labcorp
Classification: Uncertain significance. Last evaluated: 2023-10-25. Review status: criteria provided, single submitter. Criteria: Invitae Variant Classification Sherloc (09022015). Collection method: clinical testing. Allele origin: germline.
Comment: This sequence change replaces asparagine, which is neutral and polar, with serine, which is neutral and polar, at codon 1011 of the RNF31 protein (p.Asn1011Ser). This variant is not present in population databases (gnomAD no frequency). This variant has not been reported in the literature in individuals affected with RNF31-related conditions. An algorithm developed to predict the effect of missense changes on protein structure and function (PolyPhen-2) suggests that this variant is likely to be disruptive. In summary, the available evidence is currently insufficient to determine the role of this variant in disease. Therefore, it has been classified as a Variant of Uncertain Significance.